The following is an entry in ClinVar:

ClinVar aggregate classification (germline): Uncertain significance (1 of 4 stars; one submission).

Conditions:
Immunodeficiency 51 (IMD51). Also called: CANDIDIASIS, FAMILIAL, 5. Identifiers: Orphanet 1334, MedGen C4310803, MONDO:0013500, OMIM 613953.

Submission:

Labcorp Genetics (formerly Invitae), Labcorp
Classification: Uncertain significance for Immunodeficiency 51. Last evaluated: 2021-01-25. Review status: criteria provided, single submitter. Criteria: Invitae Variant Classification Sherloc (09022015). Collection method: clinical testing. Allele origin: germline.
Comment: This sequence change replaces leucine with valine at codon 539 of the IL17RA protein (p.Leu539Val). The leucine residue is highly conserved and there is a small physicochemical difference between leucine and valine. This variant is not present in population databases (ExAC no frequency). This variant has not been reported in the literature in individuals with IL17RA-related conditions. Algorithms developed to predict the effect of missense changes on protein structure and function are either unavailable or do not agree on the potential impact of this missense change (SIFT: "Deleterious"; PolyPhen-2: "Probably Damaging"; Align-GVGD: "Class C0"). In summary, the available evidence is currently insufficient to determine the role of this variant in disease. Therefore, it has been classified as a Variant of Uncertain Significance.

NM_014339.7(IL17RA):c.1615C>G (p.Leu539Val)

Gene: IL17RA (interleukin 17 receptor A; plus strand). Cytogenetic location: 22q11.1.
Variant type: single nucleotide variant.
Coding change: c.1615C>G on transcript NM_014339.7 (MANE Select); coding-DNA position 1615, C replaced by G.
Protein change: p.Leu539Val; replaces leucine 539 with valine.
Molecular consequence: missense variant.
Genome position (GRCh38, 1-based): chr22:17,108,834, C>G. VCF-style: chr22-17108834-C-G. GRCh37 (hg19) VCF-style: chr22-17589724-C-G.
Other names: c.1513C>G, p.Leu505Val (NM_001289905.2); short protein forms L539V, L505V.
Identifiers: ClinVar variation 1504515 (VCV001504515.8), dbSNP rs2123811782, ClinGen allele CA410218018.